The following is an entry in ClinVar:

ClinVar aggregate classification (germline): Uncertain significance (1 of 4 stars; one submission).

Conditions:
RASopathy. Also called: Noonan spectrum disorder; rasopathies. Identifiers: Orphanet 536391, MedGen C5555857, MONDO:0021060.

Submission:

Labcorp Genetics (formerly Invitae), Labcorp
Classification: Uncertain significance for Rasopathy. Last evaluated: 2019-10-24. Review status: criteria provided, single submitter. Criteria: Invitae Variant Classification Sherloc (09022015). Collection method: clinical testing. Allele origin: germline.
Comment: This variant is an out-of-frame deletion of the genomic region encompassing exons 11-12 of the RAF1 gene. This is expected to create a premature translational stop signal and result in an absent or disrupted protein product. This variant has not been reported in the literature in individuals with RAF1-related conditions. The current clinical and genetic evidence is not sufficient to establish whether loss-of-function variants in RAF1 cause disease. In summary, the available evidence is currently insufficient to determine the role of this variant in disease. Therefore, it has been classified as a Variant of Uncertain Significance.

NC_000003.12:g.(?_12590788)_(12591802_?)del

Gene: RAF1 (Raf-1 proto-oncogene, serine/threonine kinase; minus strand). Cytogenetic location: 3p25.2.
Variant type: Deletion.
Identifiers: ClinVar variation 832166 (VCV000832166.2).